The following is an entry in ClinVar:

ClinVar aggregate classification (germline): Uncertain significance (1 of 4 stars; one submission).

Submission:

GeneDx
Classification: Uncertain significance. Last evaluated: 2017-09-12. Review status: criteria provided, single submitter. Criteria: GeneDx Variant Classification (06012015). Collection method: clinical testing. Allele origin: germline. Affected: yes.
Comment: The K1495Q variant in the SETD2 gene has not been reported previously as a pathogenic variant, nor as a benign variant, to our knowledge. The K1495Q variant is not observed in large population cohorts (Lek et al., 2016; 1000 Genomes Consortium et al., 2015; Exome Variant Server). The K1495Q variant is a semi-conservative amino acid substitution, which may impact secondary protein structure as these residues differ in some properties. This substitution occurs at a position that is conserved across species and in silico analysis predicts this variant is probably damaging to the protein structure/function. We interpret K1495Q as a variant of uncertain significance.

NM_014159.7(SETD2):c.4483A>C (p.Lys1495Gln)

Gene: SETD2 (SET domain containing 2, histone lysine methyltransferase; minus strand). Cytogenetic location: 3p21.31.
Variant type: single nucleotide variant.
Coding change: c.4483A>C on transcript NM_014159.7 (MANE Select); coding-DNA position 4483, A replaced by C.
Protein change: p.Lys1495Gln; replaces lysine 1495 with glutamine.
Molecular consequence: missense variant. On other transcripts: non-coding transcript variant (1).
Genome position (GRCh38, 1-based): chr3:47,116,726, T>G on the plus strand (A>C on the coding strand, the complement: SETD2 is on the minus strand). VCF-style: chr3-47116726-T-G. GRCh37 (hg19) VCF-style: chr3-47158216-T-G.
Other names: c.4351A>C, p.Lys1451Gln (NM_001349370.3); short protein forms K1495Q, K1451Q.
Identifiers: ClinVar variation 451735 (VCV000451735.2), dbSNP rs1553699113, ClinGen allele CA352516553.
Genomic context (GRCh38, chr3:47,116,726, plus strand): 5'-CTATTTCACCTTGAGCTCTTTCATCTTTAGAAAGAGGTGTACACTCACACTGCATTCGCT[T>G]AATATCTCGATGAGATTTATTCTTCTTTCTATTGGGTAAAATTTCATAAAAACTGATTAA-3'
Protein context (NP_054878.5, residues 1485-1505): RKKNKSHRDI[Lys1495Gln]RMQCECTPLS